The following is an entry in ClinVar:

NM_004304.5(ALK):c.3172+1G>A

Gene: ALK (ALK receptor tyrosine kinase; minus strand). Cytogenetic location: 2p23.2.
Variant type: single nucleotide variant.
Coding change: c.3172+1G>A on transcript NM_004304.5 (MANE Select); the canonical splice donor site of the intron after coding-DNA position 3172, G replaced by A.
Molecular consequence: splice donor variant.
Genome position (GRCh38, 1-based): chr2:29,225,460, C>T on the plus strand (G>A on the coding strand, the complement: ALK is on the minus strand). VCF-style: chr2-29225460-C-T. GRCh37 (hg19) VCF-style: chr2-29448326-C-T.
Identifiers: ClinVar variation 581515 (VCV000581515.8), dbSNP rs1558625168, ClinGen allele CA346466741.

ClinVar aggregate classification (germline): Uncertain significance. Review status: criteria provided, multiple submitters, no conflicts (2 of 4 stars). 2 submissions from 2 submitters: Uncertain significance (2). Last evaluated 2025-06-11.

Conditions:
Hereditary cancer-predisposing syndrome. Also called: Neoplastic Syndromes, Hereditary; Hereditary Cancer Syndrome; Tumor predisposition; Hereditary neoplastic syndrome. Identifiers: Orphanet 140162, MedGen C0027672, MeSH D009386, MONDO:0015356.
Neuroblastoma, susceptibility to, 3. Also called: ALK-Related Neuroblastic Tumor Susceptibility. Identifiers: Orphanet 635, MedGen C2751681, MONDO:0013083, OMIM 613014.

Submissions (2):

Ambry Genetics
Classification: Uncertain significance for Hereditary cancer-predisposing syndrome. Last evaluated: 2025-06-11. Review status: criteria provided, single submitter. Criteria: Ambry Variant Classification Scheme 2023. Collection method: clinical testing. Allele origin: germline.
Comment: The c.3172+1G>A intronic variant results from a G to A substitution one nucleotide after coding exon 19 of the ALK gene. This nucleotide position is highly conserved in available vertebrate species. In silico splice site analysis predicts that this alteration will weaken the native splice donor site. Alterations that disrupt the canonical splice site are expected to cause aberrant splicing, resulting in an abnormal protein or a transcript that is subject to nonsense-mediated mRNA decay. However, loss of function of ALK has not been established as a mechanism of disease. Based on the available evidence, the clinical significance of this alteration remains unclear.

Labcorp Genetics (formerly Invitae), Labcorp
Classification: Uncertain significance for Neuroblastoma, susceptibility to, 3. Last evaluated: 2024-09-03. Review status: criteria provided, single submitter. Criteria: Invitae Variant Classification Sherloc (09022015). Collection method: clinical testing. Allele origin: germline.
Comment: This sequence change affects a donor splice site in intron 19 of the ALK gene. It is expected to disrupt RNA splicing. Variants that disrupt the donor or acceptor splice site typically lead to a loss of protein function (PMID: 16199547), however the current clinical and genetic evidence is not sufficient to establish whether loss-of-function variants in ALK cause disease. This variant is not present in population databases (gnomAD no frequency). This variant has not been reported in the literature in individuals affected with ALK-related conditions. ClinVar contains an entry for this variant (Variation ID: 581515). Algorithms developed to predict the effect of sequence changes on RNA splicing suggest that this variant may disrupt the consensus splice site. In summary, the available evidence is currently insufficient to determine the role of this variant in disease. Therefore, it has been classified as a Variant of Uncertain Significance.

Literature cited by the submitters: PubMed 16199547 (cited by Labcorp Genetics (formerly Invitae), Labcorp).